The following is an entry in ClinVar:

NM_001354604.2(MITF):c.997G>T (p.Glu333Ter)

Gene: MITF (melanocyte inducing transcription factor; plus strand). Cytogenetic location: 3p13.
Variant type: single nucleotide variant.
Coding change: c.997G>T on transcript NM_001354604.2 (MANE Select); coding-DNA position 997, G replaced by T.
Protein change: p.Glu333Ter; replaces glutamic acid 333 with a stop codon.
Molecular consequence: nonsense.
Genome position (GRCh38, 1-based): chr3:69,956,496, G>T. VCF-style: chr3-69956496-G-T. GRCh37 (hg19) VCF-style: chr3-70005647-G-T.
Other names: c.994G>T, p.Glu332Ter (NM_001354605.2); c.976G>T, p.Glu326Ter (NM_001354606.2, NM_006722.3); c.928G>T, p.Glu310Ter (NM_001354607.2); c.823G>T, p.Glu275Ter (NM_001354608.2, NM_001184967.2); c.979G>T, p.Glu327Ter (NM_198159.3); c.658G>T, p.Glu220Ter (NM_198158.3); c.931G>T, p.Glu311Ter (NM_198177.3); c.490G>T, p.Glu164Ter (NM_198178.3); and 2 more; short protein forms E226*, E327*, E326*, E332*, E333*, E164*, E220*, E310*.
Identifiers: ClinVar variation 545016 (VCV000545016.6), dbSNP rs147682682, ClinGen allele CA353561781.

ClinVar aggregate classification (germline): Pathogenic/Likely pathogenic. Review status: criteria provided, multiple submitters, no conflicts (2 of 4 stars). 3 submissions from 3 submitters: Pathogenic (1); Likely pathogenic (1). 1 of the submissions does not count toward it. Last evaluated 2026-01-06.

Conditions:
Waardenburg syndrome type 2. Identifiers: Orphanet 895, MedGen C2700265, MONDO:0019517.
MITF-related disorder. Also called: MITF-related condition.
Waardenburg syndrome type 2A (WS2A). Also called: WAARDENBURG SYNDROME WITHOUT DYSTOPIA CANTHORUM. Identifiers: Orphanet 3440, MedGen C1860339, MONDO:0008671, OMIM 193510.

Submissions (3):

Women's Health and Genetics/Laboratory Corporation of America, LabCorp
Classification: Pathogenic for Waardenburg syndrome type 2. Last evaluated: 2026-01-06. Review status: criteria provided, single submitter. Criteria: LabCorp Variant Classification Summary - May 2015. Collection method: clinical testing. Allele origin: germline.
Comment: Variant summary: MITF c.676G>T (p.Glu226X) results in a premature termination codon, predicted to cause a truncation of the encoded protein or absence of the protein due to nonsense mediated decay, which are commonly known mechanisms for disease. The variant was absent in 251120 control chromosomes. c.676G>T has been observed in individual(s) affected with Waardenburg Syndrome 2 (e.g., Somashekar_2019). To our knowledge, no experimental evidence demonstrating an impact on protein function has been reported. The following publication has been ascertained in the context of this evaluation (PMID: 30394532). ClinVar contains an entry for this variant (Variation ID: 545016). Based on the evidence outlined above, the variant was classified as pathogenic.

PreventionGenetics, part of Exact Sciences
Classification: Likely pathogenic for MITF-related condition. Last evaluated: 2022-11-03. Review status: criteria provided, single submitter. Criteria: ACMG Guidelines, 2015. Collection method: clinical testing. Allele origin: germline.
Comment: The MITF c.676G>T variant is predicted to result in premature protein termination (p.Glu226*). This variant was reported in an individual with Waardenburg syndrome 2A (Somashekar et al. 2019. PubMed ID: 30394532, alt nomenclature NM_198159.2:c.979G>T (p.Glu327*)). This variant has not been reported in a large population database, indicating this variant is rare. Nonsense variants in MITF are expected to be pathogenic. This variant is interpreted as likely pathogenic.

Kasturba Medical College, Manipal, Kasturba Medical College, Manipal, Manipal Academy of Higher Education, Manipal, India
Classification: Pathogenic for Waardenburg syndrome type 2A. Last evaluated: 2018-05-15. Review status: no assertion criteria provided. Collection method: research. Allele origin: maternal. Inheritance: Autosomal dominant inheritance. Affected: yes. Observed: 2 variant alleles, 2 heterozygotes. Clinical features observed: Hearing impairment (HP:0000365), Heterochromia iridis (HP:0001100), Delayed speech and language development (HP:0000750). Not counted in ClinVar's aggregate classification.

Literature cited by the submitters: PubMed 30394532 (cited by Women's Health and Genetics/Laboratory Corporation of America, LabCorp).